The following is an entry in ClinVar:

ClinVar aggregate classification (germline): Uncertain significance (1 of 4 stars; one submission).

Conditions:
Cardiovascular phenotype. Identifiers: MedGen CN230736.

Submission:

Ambry Genetics
Classification: Uncertain significance for Cardiovascular phenotype. Last evaluated: 2025-09-25. Review status: criteria provided, single submitter. Criteria: Ambry Variant Classification Scheme 2023. Collection method: clinical testing. Allele origin: germline.
Comment: The p.S455W variant (also known as c.1364C>G), located in coding exon 4 of the RBM20 gene, results from a C to G substitution at nucleotide position 1364. The serine at codon 455 is replaced by tryptophan, an amino acid with highly dissimilar properties. This amino acid position is conserved. In addition, the in silico prediction for this alteration is inconclusive. Based on the available evidence, the clinical significance of this variant remains unclear.

NM_001134363.3(RBM20):c.1364C>G (p.Ser455Trp)

Gene: RBM20 (RNA binding motif protein 20; plus strand). Cytogenetic location: 10q25.2.
Variant type: single nucleotide variant.
Coding change: c.1364C>G on transcript NM_001134363.3 (MANE Select); coding-DNA position 1364, C replaced by G.
Protein change: p.Ser455Trp; replaces serine 455 with tryptophan.
Molecular consequence: missense variant.
Genome position (GRCh38, 1-based): chr10:110,784,367, C>G. VCF-style: chr10-110784367-C-G. GRCh37 (hg19) VCF-style: chr10-112544125-C-G.
Other names: short protein forms S455W.
Identifiers: ClinVar variation 4614823 (VCV004614823.1).